The following is an entry in ClinVar:

ClinVar aggregate classification (germline): Uncertain significance. Review status: criteria provided, multiple submitters, no conflicts (2 of 4 stars). 2 submissions from 2 submitters: Uncertain significance (2). Last evaluated 2025-01-06.

Conditions:
Cardiovascular phenotype. Identifiers: MedGen CN230736.
Dilated cardiomyopathy 1W (CMD1W). Identifiers: Orphanet 154, MedGen C1969639, MONDO:0012667, OMIM 611407.

Allele frequency attached by ClinVar (database versions not stated): TOPMed below 0.00001.

Submissions (2):

Labcorp Genetics (formerly Invitae), Labcorp
Classification: Uncertain significance for Dilated cardiomyopathy 1W. Last evaluated: 2025-01-06. Review status: criteria provided, single submitter. Criteria: Invitae Variant Classification Sherloc (09022015). Collection method: clinical testing. Allele origin: germline.
Comment: This sequence change replaces arginine, which is basic and polar, with glycine, which is neutral and non-polar, at codon 300 of the VCL protein (p.Arg300Gly). This variant is not present in population databases (gnomAD no frequency). This variant has not been reported in the literature in individuals affected with VCL-related conditions. ClinVar contains an entry for this variant (Variation ID: 1765339). An algorithm developed to predict the effect of missense changes on protein structure and function (PolyPhen-2) suggests that this variant is likely to be disruptive. In summary, the available evidence is currently insufficient to determine the role of this variant in disease. Therefore, it has been classified as a Variant of Uncertain Significance.

Ambry Genetics
Classification: Uncertain significance for Cardiovascular phenotype. Last evaluated: 2022-10-03. Review status: criteria provided, single submitter. Criteria: Ambry Variant Classification Scheme 2023. Collection method: clinical testing. Allele origin: germline.
Comment: The p.R300G variant (also known as c.898A>G), located in coding exon 8 of the VCL gene, results from an A to G substitution at nucleotide position 898. The arginine at codon 300 is replaced by glycine, an amino acid with dissimilar properties. This amino acid position is conserved. In addition, this alteration is predicted to be deleterious by in silico analysis. Since supporting evidence is limited at this time, the clinical significance of this alteration remains unclear.

NM_014000.3(VCL):c.898A>G (p.Arg300Gly)

Gene: VCL (vinculin; plus strand). Cytogenetic location: 10q22.2.
Variant type: single nucleotide variant.
Coding change: c.898A>G on transcript NM_014000.3 (MANE Select); coding-DNA position 898, A replaced by G.
Protein change: p.Arg300Gly; replaces arginine 300 with glycine.
Molecular consequence: missense variant.
Genome position (GRCh38, 1-based): chr10:74,083,389, A>G. VCF-style: chr10-74083389-A-G. GRCh37 (hg19) VCF-style: chr10-75843147-A-G.
Other names: c.898A>G, p.Arg300Gly (NM_003373.4); short protein forms R300G.
Identifiers: ClinVar variation 1765339 (VCV001765339.4), dbSNP rs1227213967, ClinGen allele CA377270115.